The following is an entry in ClinVar:

NM_018706.7(DHTKD1):c.2041T>A (p.Ser681Thr)

Gene: DHTKD1 (dehydrogenase E1 and transketolase domain containing 1; plus strand). Cytogenetic location: 10p14.
Variant type: single nucleotide variant.
Coding change: c.2041T>A on transcript NM_018706.7 (MANE Select); coding-DNA position 2041, T replaced by A.
Protein change: p.Ser681Thr; replaces serine 681 with threonine.
Molecular consequence: missense variant.
Genome position (GRCh38, 1-based): chr10:12,106,390, T>A. VCF-style: chr10-12106390-T-A. GRCh37 (hg19) VCF-style: chr10-12148389-T-A.
Other names: short protein forms S681T.
Identifiers: ClinVar variation 2190945 (VCV002190945.4), dbSNP rs374997973, ClinGen allele CA5408098.

ClinVar aggregate classification (germline): Uncertain significance (1 of 4 stars; one submission).

Conditions:
2-aminoadipic 2-oxoadipic aciduria (AAKAD). Also called: ALPHA-AMINOADIPIC AND ALPHA-KETOADIPIC ACIDURIA; Aminoadipic aciduria. Identifiers: Orphanet 79154, MedGen C1859817, MONDO:0008774, OMIM 204750.

Allele frequency attached by ClinVar (database versions not stated): gnomAD exomes below 0.00001; gnomAD 0.00001; TOPMed 0.00001; ExAC 0.00002; ESP Exome Variant Server 0.00008.
gnomAD v4.1: 5 of 1,614,072 alleles (0.00031%); highest among the groups gnomAD compares: Non-Finnish European, 0.00042%; no homozygotes.

Submission:

Labcorp Genetics (formerly Invitae), Labcorp
Classification: Uncertain significance for 2-aminoadipic 2-oxoadipic aciduria. Last evaluated: 2023-04-17. Review status: criteria provided, single submitter. Criteria: Invitae Variant Classification Sherloc (09022015). Collection method: clinical testing. Allele origin: germline.
Comment: In summary, the available evidence is currently insufficient to determine the role of this variant in disease. Therefore, it has been classified as a Variant of Uncertain Significance. Advanced modeling of protein sequence and biophysical properties (such as structural, functional, and spatial information, amino acid conservation, physicochemical variation, residue mobility, and thermodynamic stability) performed at Invitae indicates that this missense variant is not expected to disrupt DHTKD1 protein function. ClinVar contains an entry for this variant (Variation ID: 2190945). This variant has not been reported in the literature in individuals affected with DHTKD1-related conditions. This variant is present in population databases (rs374997973, gnomAD 0.002%). This sequence change replaces serine, which is neutral and polar, with threonine, which is neutral and polar, at codon 681 of the DHTKD1 protein (p.Ser681Thr).